The following is an entry in ClinVar:

ClinVar aggregate classification (germline): Conflicting classifications of pathogenicity. Review status: criteria provided, conflicting classifications (1 of 4 stars). 4 submissions from 4 submitters: Uncertain significance (3); Likely benign (1). Last evaluated 2025-08-14.

Conditions:
Familial melanoma. Also called: Hereditary melanoma; Hereditary cutaneous melanoma. Identifiers: Orphanet 618, MedGen C1512419, MONDO:0018961.
Hereditary cancer-predisposing syndrome. Also called: Tumor predisposition; Hereditary neoplastic syndrome; Neoplastic Syndromes, Hereditary; Hereditary Cancer Syndrome. Identifiers: Orphanet 140162, MedGen C0027672, MeSH D009386, MONDO:0015356.
Melanoma-pancreatic cancer syndrome. Identifiers: Orphanet 404560, MedGen C1838547, MONDO:0011713, OMIM 606719. Disease mechanism: loss of function.

gnomAD v4.1: 1 of 1,614,156 alleles (0.000062%); no homozygotes.

Submissions (4):

Myriad Genetics, Inc.
Classification: Likely benign for Melanoma-pancreatic cancer syndrome. Last evaluated: 2025-08-14. Review status: criteria provided, single submitter. Criteria: Myriad Autosomal Dominant, Autosomal Recessive and X-Linked Classification Criteria (2023). Collection method: clinical testing. Allele origin: unknown.
Comment: This variant is considered likely benign. This variant is intronic and is not expected to impact mRNA splicing.

Labcorp Genetics (formerly Invitae), Labcorp
Classification: Uncertain significance for Familial melanoma. Last evaluated: 2024-09-27. Review status: criteria provided, single submitter. Criteria: Invitae Variant Classification Sherloc (09022015). Collection method: clinical testing. Allele origin: germline.
Comment: This sequence change falls in intron 1 of the CDKN2A (p16INK4a) gene. It does not directly change the encoded amino acid sequence of the CDKN2A (p16INK4a) protein. It affects a nucleotide within the consensus splice site. This variant is not present in population databases (gnomAD no frequency). This variant has not been reported in the literature in individuals affected with CDKN2A (p16INK4a)-related conditions. ClinVar contains an entry for this variant (Variation ID: 628767). Variants that disrupt the consensus splice site are a relatively common cause of aberrant splicing (PMID: 17576681, 9536098). Algorithms developed to predict the effect of sequence changes on RNA splicing suggest that this variant is not likely to affect RNA splicing. In summary, the available evidence is currently insufficient to determine the role of this variant in disease. Therefore, it has been classified as a Variant of Uncertain Significance.

Ambry Genetics
Classification: Uncertain significance for Hereditary cancer-predisposing syndrome. Last evaluated: 2024-08-27. Review status: criteria provided, single submitter. Criteria: Ambry Variant Classification Scheme 2023. Collection method: clinical testing. Allele origin: germline.
Comment: The c.150+4G>A intronic variant results from a G to A substitution 4 nucleotides after coding exon 1 in the CDKN2A gene. This nucleotide position is well conserved in available vertebrate species. In silico splice site analysis predicts that this alteration will not have any significant effect on splicing. Based on the available evidence, the clinical significance of this variant remains unclear.

Color Diagnostics, LLC DBA Color Health
Classification: Uncertain significance for Hereditary cancer-predisposing syndrome. Last evaluated: 2023-02-21. Review status: criteria provided, single submitter. Criteria: ACMG Guidelines, 2015. Collection method: clinical testing. Allele origin: germline.
Comment: The CDKN2A locus encodes two different gene products, p16INK4a and p14ARF. This variant causes a G to A nucleotide substitution at the +4 position of intron 1 of the CDKN2A (p16INK4A) gene. To our knowledge, functional studies have not been reported for this variant. This variant has not been reported in individuals affected with CDKN2A-related disorders in the literature. This variant has not been identified in the general population by the Genome Aggregation Database (gnomAD). The available evidence is insufficient to determine the role of this variant in disease conclusively. Therefore, this variant is classified as a Variant of Uncertain Significance.

Literature cited by the submitters: PubMed 17576681 (cited by Labcorp Genetics (formerly Invitae), Labcorp); PubMed 9536098 (cited by Labcorp Genetics (formerly Invitae), Labcorp).

NM_000077.5(CDKN2A):c.150+4G>A

Gene: CDKN2A (cyclin dependent kinase inhibitor 2A; minus strand). Cytogenetic location: 9p21.3.
Variant type: single nucleotide variant.
Coding change: c.150+4G>A on transcript NM_000077.5 (MANE Select); 4 bases into the intron after coding-DNA position 150, G replaced by A.
Molecular consequence: intron variant. On other transcripts: missense variant (1).
Genome position (GRCh38, 1-based): chr9:21,974,674, C>T on the plus strand (G>A on the coding strand, the complement: CDKN2A is on the minus strand). VCF-style: chr9-21974674-C-T. GRCh37 (hg19) VCF-style: chr9-21974673-C-T.
Other names: c.154G>A, p.Gly52Ser (NM_058197.5); c.-3-3466G>A (NM_001363763.2); c.194-3466G>A (NM_058195.4); c.150+4G>A (NM_001195132.2); short protein forms G52S.
Identifiers: ClinVar variation 628767 (VCV000628767.11), dbSNP rs1563892453, ClinGen allele CA913188283.